The following is an entry in ClinVar:

ClinVar aggregate classification (germline): Uncertain significance. Review status: criteria provided, multiple submitters, no conflicts (2 of 4 stars). 2 submissions from 2 submitters: Uncertain significance (2). Last evaluated 2025-08-13.

Conditions:
Inborn genetic diseases. Identifiers: MedGen C0950123, MeSH D030342.

Allele frequency attached by ClinVar (database versions not stated): gnomAD 0.00001; TOPMed 0.00001; ExAC 0.00005.
gnomAD v4.1: 40 of 1,580,774 alleles (0.0025%); highest among the groups gnomAD compares: East Asian, 0.087%; no homozygotes.

Submissions (2):

Ambry Genetics
Classification: Uncertain significance for Inborn genetic diseases. Last evaluated: 2025-08-13. Review status: criteria provided, single submitter. Criteria: Ambry Variant Classification Scheme 2023. Collection method: clinical testing. Allele origin: germline.

Labcorp Genetics (formerly Invitae), Labcorp
Classification: Uncertain significance. Last evaluated: 2024-10-17. Review status: criteria provided, single submitter. Criteria: Invitae Variant Classification Sherloc (09022015). Collection method: clinical testing. Allele origin: germline.
Comment: This sequence change replaces serine, which is neutral and polar, with isoleucine, which is neutral and non-polar, at codon 260 of the IFT74 protein (p.Ser260Ile). This variant is present in population databases (rs755324260, gnomAD 0.04%). This variant has not been reported in the literature in individuals affected with IFT74-related conditions. ClinVar contains an entry for this variant (Variation ID: 2414276). An algorithm developed to predict the effect of missense changes on protein structure and function (PolyPhen-2) suggests that this variant is likely to be tolerated. In summary, the available evidence is currently insufficient to determine the role of this variant in disease. Therefore, it has been classified as a Variant of Uncertain Significance.

NM_025103.4(IFT74):c.779G>T (p.Ser260Ile)

Gene: IFT74 (intraflagellar transport 74; plus strand). Cytogenetic location: 9p21.2.
Variant type: single nucleotide variant.
Coding change: c.779G>T on transcript NM_025103.4 (MANE Select); coding-DNA position 779, G replaced by T.
Protein change: p.Ser260Ile; replaces serine 260 with isoleucine.
Molecular consequence: missense variant.
Genome position (GRCh38, 1-based): chr9:27,011,958, G>T. VCF-style: chr9-27011958-G-T. GRCh37 (hg19) VCF-style: chr9-27011956-G-T.
Other names: c.779G>T (NM_001099222.1); c.779G>T, p.Ser260Ile (NM_001099222.3, NM_001099223.3, NM_001099224.3 and 1 more transcripts); short protein forms S260I.
Identifiers: ClinVar variation 2414276 (VCV002414276.7), dbSNP rs755324260, ClinGen allele CA5015389.
Genomic context (GRCh38, chr9:27,011,958, plus strand): 5'-CCACTTAGGAATTAGATACACTTCAACAACAATTGGATTCACAGAACATGAAAAAAGAGA[G>T]CCTGGAAGCAGTAAGTATAAAATCAAATAAGGGTTCTCATACTACTCAGCTAAAAAAGTT-3'
Protein context (NP_079379.2, residues 250-270): QLDSQNMKKE[Ser260Ile]LEAEIAHSQV